The following is an entry in ClinVar:

NM_000096.4(CP):c.393G>A (p.Glu131=)

Gene: CP (ceruloplasmin; minus strand). Cytogenetic location: 3q25.1.
Variant type: single nucleotide variant.
Coding change: c.393G>A on transcript NM_000096.4 (MANE Select); coding-DNA position 393, G replaced by A.
Protein change: p.Glu131=; no amino-acid change (glutamic acid 131 retained).
Molecular consequence: synonymous variant. On other transcripts: non-coding transcript variant (1).
Genome position (GRCh38, 1-based): chr3:149,212,452, C>T on the plus strand (G>A on the coding strand, the complement: CP is on the minus strand). VCF-style: chr3-149212452-C-T. GRCh37 (hg19) VCF-style: chr3-148930239-C-T.
Identifiers: ClinVar variation 1400546 (VCV001400546.8), dbSNP rs754943824, ClinGen allele CA2661335.

ClinVar aggregate classification (germline): Uncertain significance (1 of 4 stars; one submission).

Conditions:
Deficiency of ferroxidase (ACEP). Also called: NEURODEGENERATION WITH BRAIN IRON ACCUMULATION 10; Aceruloplasminemia; Ceruloplasmin deficiency; Familial apoceruloplasmin deficiency; Hereditary ceruloplasmin deficiency; Deficiency of ceruloplasmin. Identifiers: Orphanet 48818, MedGen C0878682, MONDO:0011426, OMIM 604290, HP:0025498.

Allele frequency attached by ClinVar (database versions not stated): gnomAD exomes below 0.00001; ExAC 0.00001; gnomAD 0.00001; 1000 Genomes Project 30x 0.00016.

Submission:

Labcorp Genetics (formerly Invitae), Labcorp
Classification: Uncertain significance for Deficiency of ferroxidase. Last evaluated: 2020-12-03. Review status: criteria provided, single submitter. Criteria: Invitae Variant Classification Sherloc (09022015). Collection method: clinical testing. Allele origin: germline.
Comment: This variant is present in population databases (rs754943824, ExAC 0.001%). In summary, the available evidence is currently insufficient to determine the role of this variant in disease. Therefore, it has been classified as a Variant of Uncertain Significance. Algorithms developed to predict the effect of sequence changes on RNA splicing suggest that this variant is not likely to affect RNA splicing, but this prediction has not been confirmed by published transcriptional studies. This variant has not been reported in the literature in individuals with CP-related conditions. This sequence change affects codon 131 of the CP mRNA. It is a 'silent' change, meaning that it does not change the encoded amino acid sequence of the CP protein.